The following is an entry in ClinVar:

ClinVar aggregate classification (germline): Benign (1 of 4 stars; one submission).

Allele frequency attached by ClinVar (database versions not stated): gnomAD exomes 0.00017; 1000 Genomes Project 30x 0.00094; 1000 Genomes Project 0.00100; gnomAD 0.00123; TOPMed 0.00138.
gnomAD v4.1: 235 of 398,654 alleles (0.059%); highest among the groups gnomAD compares: African/African-American, 0.43%; 2 homozygotes.

Submission:

CeGaT Center for Human Genetics Tuebingen
Classification: Benign. Last evaluated: 2023-12-01. Review status: criteria provided, single submitter. Criteria: CeGaT Center For Human Genetics Tuebingen Variant Classification Criteria Version 2. Collection method: clinical testing. Allele origin: germline. Affected: yes. Observed: 1 variant allele.
Comment: KCNQ1OT1: BS1, BS2

NM_000218.3(KCNQ1):c.1394-8227A>G

Genes: KCNQ1 (potassium voltage-gated channel subfamily Q member 1; plus strand), KCNQ1OT1 (KCNQ1 opposite strand/antisense transcript 1; minus strand). Cytogenetic location: 11p15.5.
Variant type: single nucleotide variant.
Coding change: c.1394-8227A>G on transcript NM_000218.3 (MANE Select); 8227 bases into the intron before coding-DNA position 1394, A replaced by G.
Molecular consequence: intron variant. On other transcripts: non-coding transcript variant (1).
Genome position (GRCh38, 1-based): chr11:2,653,734, A>G. VCF-style: chr11-2653734-A-G. GRCh37 (hg19) VCF-style: chr11-2674964-A-G.
Other names: c.1124-8227A>G (NM_001406837.1); c.1298-8227A>G (NM_001406836.1); c.854-8227A>G (NM_001406838.1); c.1013-8227A>G (NM_181798.2).
Identifiers: ClinVar variation 3026358 (VCV003026358.22), dbSNP rs7932936, ClinGen allele CA216165025.